The following is an entry in ClinVar:

ClinVar aggregate classification (germline): Likely benign (1 of 4 stars; one submission).

Conditions:
IQCB1-related disorder. Also called: IQCB1-related condition.

gnomAD v4.1: 1 of 1,610,770 alleles (0.000062%); highest among the groups gnomAD compares: Non-Finnish European, 0.000085%; no homozygotes.

Submission:

PreventionGenetics, part of Exact Sciences
Classification: Likely benign for IQCB1-related condition. Last evaluated: 2026-04-23. Review status: criteria provided, single submitter. Criteria: ACMG Guidelines, 2015. Collection method: clinical testing. Allele origin: germline.
Comment: This variant is classified as likely benign based on ACMG/AMP sequence variant interpretation guidelines (Richards et al. 2015 PMID: 25741868, with internal and published modifications).

NM_001023570.4(IQCB1):c.189C>G (p.Leu63=)

Gene: IQCB1 (IQ motif containing B1; minus strand). Cytogenetic location: 3q13.33.
Variant type: single nucleotide variant.
Coding change: c.189C>G on transcript NM_001023570.4 (MANE Select); coding-DNA position 189, C replaced by G.
Protein change: p.Leu63=; no amino-acid change (leucine 63 retained).
Molecular consequence: synonymous variant. On other transcripts: non-coding transcript variant (1).
Genome position (GRCh38, 1-based): chr3:121,828,544, G>C on the plus strand (C>G on the coding strand, the complement: IQCB1 is on the minus strand). VCF-style: chr3-121828544-G-C. GRCh37 (hg19) VCF-style: chr3-121547391-G-C.
Other names: c.189C>G, p.Leu63= (NM_001023571.4, NM_001319107.2).
Identifiers: ClinVar variation 4995266 (VCV004995266.1).